The following is an entry in ClinVar:

ClinVar aggregate classification (germline): Pathogenic (1 of 4 stars; one submission).

Conditions:
Dilated cardiomyopathy 1DD (CMD1DD). Identifiers: Orphanet 154, MedGen C2750995, MONDO:0013168, OMIM 613172.

Submission:

Labcorp Genetics (formerly Invitae), Labcorp
Classification: Pathogenic for Dilated cardiomyopathy 1DD. Last evaluated: 2025-11-21. Review status: criteria provided, single submitter. Criteria: Invitae Variant Classification Sherloc (09022015). Collection method: clinical testing. Allele origin: germline.
Comment: This sequence change creates a premature translational stop signal (p.Tyr231*) in the RBM20 gene. It is expected to result in an absent or disrupted protein product. Loss-of-function variants in RBM20 are known to be pathogenic (PMID: 20590677, 22004663, 38288598, 38510713, 40339755). This variant is not present in population databases (gnomAD no frequency). This variant has not been reported in the literature in individuals affected with RBM20-related conditions. For these reasons, this variant has been classified as Pathogenic.

Literature cited by the submitters: PubMed 20590677; PubMed 22004663; PubMed 38288598; PubMed 38510713; PubMed 40339755.

NM_001134363.3(RBM20):c.693T>A (p.Tyr231Ter)

Gene: RBM20 (RNA binding motif protein 20; plus strand). Cytogenetic location: 10q25.2.
Variant type: single nucleotide variant.
Coding change: c.693T>A on transcript NM_001134363.3 (MANE Select); coding-DNA position 693, T replaced by A.
Protein change: p.Tyr231Ter; replaces tyrosine 231 with a stop codon.
Molecular consequence: nonsense.
Genome position (GRCh38, 1-based): chr10:110,781,302, T>A. VCF-style: chr10-110781302-T-A. GRCh37 (hg19) VCF-style: chr10-112541060-T-A.
Other names: short protein forms Y231*.
Identifiers: ClinVar variation 4709182 (VCV004709182.1).